The following is an entry in ClinVar:

NM_001190737.2(NFIB):c.503A>G (p.His168Arg)

Gene: NFIB (nuclear factor I B; minus strand). Cytogenetic location: 9p22.3.
Variant type: single nucleotide variant.
Coding change: c.503A>G on transcript NM_001190737.2 (MANE Select); coding-DNA position 503, A replaced by G.
Protein change: p.His168Arg; replaces histidine 168 with arginine.
Molecular consequence: missense variant. On other transcripts: intron variant (3).
Genome position (GRCh38, 1-based): chr9:14,307,048, T>C on the plus strand (A>G on the coding strand, the complement: NFIB is on the minus strand). VCF-style: chr9-14307048-T-C. GRCh37 (hg19) VCF-style: chr9-14307047-T-C.
Other names: c.581A>G, p.His194Arg (NM_001190738.2); c.569A>G, p.His190Arg (NM_001369458.1, NM_001369459.1, NM_001369462.1 and 1 more transcripts); c.491A>G, p.His164Arg (NM_001369460.1, NM_001369463.1, NM_001369466.1 and 2 more transcripts); c.503A>G, p.His168Arg (NM_001369461.1, NM_001369464.1, NM_001369471.1 and 4 more transcripts); c.476A>G, p.His159Arg (NM_001369465.1, NM_001369467.1, NM_001369476.1); c.359A>G, p.His120Arg (NM_001369469.1); c.488A>G, p.His163Arg (NM_001369474.1); c.325+166A>G (NM_001369478.1, NM_001369470.1); and 1 more; short protein forms H120R, H159R, H163R, H164R, H168R, H190R, H194R.
Identifiers: ClinVar variation 5037175 (VCV005037175.1).

ClinVar aggregate classification (germline): Uncertain significance (1 of 4 stars; one submission).

Submission:

GeneDx
Classification: Uncertain significance. Last evaluated: 2026-04-14. Review status: criteria provided, single submitter. Criteria: GeneDx Variant Classification Process June 2021. Collection method: clinical testing. Allele origin: germline.
Comment: Not observed at significant frequency in large population cohorts (gnomAD); In silico analysis supports that this missense variant has a deleterious effect on protein structure/function; Has not been previously published as pathogenic or benign to our knowledge